The following is an entry in ClinVar:

ClinVar aggregate classification (germline): Pathogenic (1 of 4 stars; one submission).

Conditions:
Pseudo-Hurler polydystrophy. Also called: ML III; ML III ALPHA/BETA; MUCOLIPIDOSIS IIIA; Type III Mucolipidosis; ML IIIA; Mucolipidosis III Alpha/Beta. Identifiers: Orphanet 423461, Orphanet 577, MedGen C0033788, MONDO:0018931, OMIM 252600.
Mucolipidosis type II. Also called: ML II ALPHA/BETA; Mucolipidosis 2; ML 2; Inclusion cell disease; Leroy Disease; N-acetylglucosamine 1phosphotransferase deficiency. Identifiers: Orphanet 576, MedGen C2673377, MONDO:0009650, OMIM 252500.

Submission:

Labcorp Genetics (formerly Invitae), Labcorp
Classification: Pathogenic for Pseudo-Hurler polydystrophy; Mucolipidosis type II. Last evaluated: 2021-04-04. Review status: criteria provided, single submitter. Criteria: Invitae Variant Classification Sherloc (09022015). Collection method: clinical testing. Allele origin: germline.
Comment: This sequence change creates a premature translational stop signal (p.Thr12Leufs*44) in the GNPTAB gene. It is expected to result in an absent or disrupted protein product. Loss-of-function variants in GNPTAB are known to be pathogenic (PMID: 19617216, 25107912). This variant is not present in population databases (ExAC no frequency). This variant has not been reported in the literature in individuals with GNPTAB-related conditions. For these reasons, this variant has been classified as Pathogenic.

Literature cited by the submitters: PubMed 19617216; PubMed 25107912.

NM_024312.5(GNPTAB):c.29_32dup (p.Thr12fs)

Gene: GNPTAB (N-acetylglucosamine-1-phosphate transferase subunits alpha and beta; minus strand). Cytogenetic location: 12q23.2.
Variant type: Duplication.
Coding change: c.29_32dup on transcript NM_024312.5 (MANE Select); coding-DNA positions 29 to 32, 4 bases duplicated (CCTA; older notation c.29_32dupCCTA).
Protein change: p.Thr12fs; shifts the reading frame from threonine 12.
Molecular consequence: frameshift variant.
Genome position (GRCh38, 1-based): chr12:101,830,644-101,830,647, TAGG duplicated on the plus strand (CCTA on the coding strand, the reverse complement: GNPTAB is on the minus strand); duplicating any 4 consecutive bases within chr12:101,830,644-101,830,648 gives the same sequence; the c. name uses the placement nearest the transcript's 3' end. VCF-style (leftmost placement, unchanged base first): chr12-101830643-A-ATAGG. GRCh37 (hg19) VCF-style: chr12-102224421-A-ATAGG.
Other names: short protein forms T12fs.
Identifiers: ClinVar variation 1393484 (VCV001393484.6), dbSNP rs2137197827, ClinGen allele CA2573147917.
Genomic context (GRCh38, chr12:101,830,643, plus strand): 5'-GATGGTGACAACGACGCCCAAGAAGCACACGTAGAGCCCATACCTGTGGGACAGGCAGGT[A>ATAGG]TAGGTCTGTCTCTGCAGGAGCTTGAACAGCATCACCCCTTCACCGCCACGCCACGCCCCG-3'